The following is an entry in ClinVar:

ClinVar aggregate classification (germline): Uncertain significance. Review status: criteria provided, multiple submitters, no conflicts (2 of 4 stars). 2 submissions from 2 submitters: Uncertain significance (2). Last evaluated 2024-01-30.

Conditions:
Inborn genetic diseases. Identifiers: MedGen C0950123, MeSH D030342.

Allele frequency attached by ClinVar (database versions not stated): gnomAD exomes 0.00001; TOPMed 0.00001.
gnomAD v4.1: 10 of 1,613,952 alleles (0.00062%); highest among the groups gnomAD compares: Non-Finnish European, 0.00085%; no homozygotes.

Submissions (2):

Ambry Genetics
Classification: Uncertain significance for Inborn genetic diseases. Last evaluated: 2024-01-30. Review status: criteria provided, single submitter. Criteria: Ambry Variant Classification Scheme 2023. Collection method: clinical testing. Allele origin: germline.

Labcorp Genetics (formerly Invitae), Labcorp
Classification: Uncertain significance. Last evaluated: 2021-06-17. Review status: criteria provided, single submitter. Criteria: Invitae Variant Classification Sherloc (09022015). Collection method: clinical testing. Allele origin: germline.
Comment: Algorithms developed to predict the effect of missense changes on protein structure and function (SIFT, PolyPhen-2, Align-GVGD) all suggest that this variant is likely to be disruptive, but these predictions have not been confirmed by published functional studies and their clinical significance is uncertain. In summary, the available evidence is currently insufficient to determine the role of this variant in disease. Therefore, it has been classified as a Variant of Uncertain Significance. This variant is not present in population databases (ExAC no frequency). This variant has not been reported in the literature in individuals with HACD1-related conditions. This sequence change replaces arginine with histidine at codon 182 of the HACD1 protein (p.Arg182His). The arginine residue is highly conserved and there is a small physicochemical difference between arginine and histidine.

NM_014241.4(HACD1):c.545G>A (p.Arg182His)

Gene: HACD1 (3-hydroxyacyl-CoA dehydratase 1; minus strand). Cytogenetic location: 10p12.33.
Variant type: single nucleotide variant.
Coding change: c.545G>A on transcript NM_014241.4 (MANE Select); coding-DNA position 545, G replaced by A.
Protein change: p.Arg182His; replaces arginine 182 with histidine.
Molecular consequence: missense variant.
Genome position (GRCh38, 1-based): chr10:17,599,350, C>T on the plus strand (G>A on the coding strand, the complement: HACD1 is on the minus strand). VCF-style: chr10-17599350-C-T. GRCh37 (hg19) VCF-style: chr10-17641349-C-T.
Other names: c.545G>A (NM_014241.3); short protein forms R182H.
Identifiers: ClinVar variation 1520995 (VCV001520995.9), dbSNP rs1554816285, ClinGen allele CA376194643.